The following is an entry in ClinVar:

ClinVar aggregate classification (germline): Likely benign. Review status: criteria provided, multiple submitters, no conflicts (2 of 4 stars). 4 submissions from 4 submitters: Likely benign (3). 1 of the submissions does not count toward it. Last evaluated 2025-10-14.

Conditions:
RTEL1-related disorder. Also called: RTEL1-related disorders; RTEL1-related condition.
Dyskeratosis congenita, autosomal recessive 5 (DKCB5). Identifiers: MedGen C3554656, MONDO:0014076, OMIM 615190.
Pulmonary fibrosis and/or bone marrow failure, Telomere-related, 3. Also called: PULMONARY FIBROSIS AND/OR BONE MARROW FAILURE SYNDROME, TELOMERE-RELATED, 3. Identifiers: Orphanet 2032, MedGen C4225346, MONDO:0014613, OMIM 616373.
Inborn genetic diseases. Identifiers: MedGen C0950123, MeSH D030342.

Allele frequency attached by ClinVar (database versions not stated): gnomAD exomes 0.00001; ExAC 0.00002; gnomAD 0.00005 and 0.00006; TOPMed 0.00005.
gnomAD v4.1: 21 of 1,610,276 alleles (0.0013%); highest among the groups gnomAD compares: African/African-American, 0.008%; no homozygotes.

Submissions (4):

Labcorp Genetics (formerly Invitae), Labcorp
Classification: Likely benign for Dyskeratosis congenita, autosomal recessive 5; Pulmonary fibrosis and/or bone marrow failure, Telomere-related, 3. Last evaluated: 2025-10-14. Review status: criteria provided, single submitter. Criteria: Invitae Variant Classification Sherloc (09022015). Collection method: clinical testing. Allele origin: germline.

Ambry Genetics
Classification: Likely benign for Inborn genetic diseases. Last evaluated: 2024-11-23. Review status: criteria provided, single submitter. Criteria: Ambry Variant Classification Scheme 2023. Collection method: clinical testing. Allele origin: germline.

Blueprint Genetics
Classification: Likely benign. Last evaluated: 2021-05-11. Review status: criteria provided, single submitter. Criteria: ACMG Guidelines, 2015. Collection method: clinical testing. Allele origin: germline.

PreventionGenetics, part of Exact Sciences
Classification: Likely benign for RTEL1-related condition. Last evaluated: 2019-11-08. Review status: no assertion criteria provided. Collection method: clinical testing. Allele origin: germline. Not counted in ClinVar's aggregate classification.
Comment: This variant is classified as likely benign based on ACMG/AMP sequence variant interpretation guidelines (Richards et al. 2015 PMID: 25741868, with internal and published modifications).

NM_001283009.2(RTEL1):c.1851C>T (p.Ala617=)

Genes: RTEL1 (regulator of telomere elongation helicase 1; plus strand), RTEL1-TNFRSF6B (RTEL1-TNFRSF6B readthrough (NMD candidate); plus strand). Cytogenetic location: 20q13.33.
Variant type: single nucleotide variant.
Coding change: c.1851C>T on transcript NM_001283009.2 (MANE Select); coding-DNA position 1851, C replaced by T.
Protein change: p.Ala617=; no amino-acid change (alanine 617 retained).
Molecular consequence: synonymous variant. On other transcripts: non-coding transcript variant (1).
Genome position (GRCh38, 1-based): chr20:63,689,105, C>T. VCF-style: chr20-63689105-C-T. GRCh37 (hg19) VCF-style: chr20-62320458-C-T.
Other names: c.1923C>T (NM_032957.4); c.1182C>T, p.Ala394= (NM_001283010.1); c.1851C>T, p.Ala617= (NM_016434.4); c.1923C>T, p.Ala641= (NM_032957.5).
Identifiers: ClinVar variation 1149162 (VCV001149162.13), dbSNP rs748314839, ClinGen allele CA9965038.